The following is an entry in ClinVar:

ClinVar aggregate classification (germline): Pathogenic (1 of 4 stars; one submission).

Conditions:
Fabry disease. Also called: CERAMIDE TRIHEXOSIDASE DEFICIENCY; GLA DEFICIENCY; HEREDITARY DYSTOPIC LIPIDOSIS; Fabry's disease; ALPHA-GALACTOSIDASE A DEFICIENCY; ANDERSON-FABRY DISEASE. Identifiers: Orphanet 324, MedGen C0002986, MONDO:0010526, OMIM 301500, HP:0001071. Disease mechanism: Fabry disease is due to inactivating mutations in the X-linked GLA gene resulting in deficiency of the enzyme Alpha Galactosidase-A., loss of function.

Submission:

Labcorp Genetics (formerly Invitae), Labcorp
Classification: Pathogenic for Fabry disease. Last evaluated: 2022-10-13. Review status: criteria provided, single submitter. Criteria: Invitae Variant Classification Sherloc (09022015). Collection method: clinical testing. Allele origin: germline.
Comment: This sequence change affects the initiator methionine of the GLA mRNA. The next in-frame methionine is located at codon 42. For these reasons, this variant has been classified as Pathogenic. ClinVar contains an entry for this variant (Variation ID: 1453975). Disruption of the initiator codon has been observed in individuals with Fabry disease (PMID: 8807334, 9100224, 12175777, 28275245, 28672034). This variant is not present in population databases (gnomAD no frequency).

Literature cited by the submitters: PubMed 8807334; PubMed 9100224; PubMed 12175777; PubMed 28275245; PubMed 28672034.

NM_000169.3(GLA):c.1_2del (p.Met1fs)

Genes: GLA (galactosidase alpha; minus strand), RPL36A-HNRNPH2 (RPL36A-HNRNPH2 readthrough; plus strand). Cytogenetic location: Xq22.1.
Variant type: Deletion.
Coding change: c.1_2del on transcript NM_000169.3 (MANE Select); coding-DNA positions 1 to 2, 2 bases deleted (AT; older notation c.1_2delAT).
Protein change: p.Met1fs; shifts the reading frame from methionine 1.
Molecular consequence: frameshift variant, initiator codon variant. On other transcripts: intron variant (2), non-coding transcript variant (3).
Genome position (GRCh38, 1-based): chrX:101,407,902-101,407,903, AT deleted on the plus strand (AT on the coding strand, the reverse complement: GLA is on the minus strand). VCF-style (leftmost placement, unchanged base first): chrX-101407901-CAT-C. GRCh37 (hg19) VCF-style: chrX-100662889-CAT-C.
Other names: c.301-4034_301-4033del (NM_001199973.2); c.178-4034_178-4033del (NM_001199974.2); c.1_2del, p.Met1fs (NM_001406747.1, NM_001406748.1, NM_001406749.1); short protein forms M1fs.
Identifiers: ClinVar variation 1453975 (VCV001453975.7), dbSNP rs2147487930, ClinGen allele CA2573159130.